The following is an entry in ClinVar:

ClinVar aggregate classification (germline): Uncertain significance (1 of 4 stars; one submission).

Allele frequency attached by ClinVar (database versions not stated): gnomAD exomes below 0.00001; TOPMed below 0.00001; gnomAD 0.00001.
gnomAD v4.1: 2 of 1,612,990 alleles (0.00012%); highest among the groups gnomAD compares: Non-Finnish European, 0.000085%; no homozygotes.

Submission:

Labcorp Genetics (formerly Invitae), Labcorp
Classification: Uncertain significance. Last evaluated: 2021-11-07. Review status: criteria provided, single submitter. Criteria: Invitae Variant Classification Sherloc (09022015). Collection method: clinical testing. Allele origin: germline.
Comment: This sequence change replaces alanine, which is neutral and non-polar, with serine, which is neutral and polar, at codon 994 of the PLEKHM2 protein (p.Ala994Ser). This variant is not present in population databases (gnomAD no frequency). This variant has not been reported in the literature in individuals affected with PLEKHM2-related conditions. Algorithms developed to predict the effect of missense changes on protein structure and function are either unavailable or do not agree on the potential impact of this missense change (SIFT: "Tolerated"; PolyPhen-2: "Probably Damaging"; Align-GVGD: "Class C0"). In summary, the available evidence is currently insufficient to determine the role of this variant in disease. Therefore, it has been classified as a Variant of Uncertain Significance.

NM_015164.4(PLEKHM2):c.2980G>T (p.Ala994Ser)

Gene: PLEKHM2 (pleckstrin homology and RUN domain containing M2; plus strand). Cytogenetic location: 1p36.21.
Variant type: single nucleotide variant.
Coding change: c.2980G>T on transcript NM_015164.4 (MANE Select); coding-DNA position 2980, G replaced by T.
Protein change: p.Ala994Ser; replaces alanine 994 with serine.
Molecular consequence: missense variant.
Genome position (GRCh38, 1-based): chr1:15,733,854, G>T. VCF-style: chr1-15733854-G-T. GRCh37 (hg19) VCF-style: chr1-16060349-G-T.
Other names: short protein forms A994S.
Identifiers: ClinVar variation 1487449 (VCV001487449.6), dbSNP rs2068185103, ClinGen allele CA338576476.